The following is an entry in ClinVar:

NM_001355436.2(SPTB):c.5799-3C>A

Gene: SPTB (spectrin beta, erythrocytic; minus strand). Cytogenetic location: 14q23.3.
Variant type: single nucleotide variant.
Coding change: c.5799-3C>A on transcript NM_001355436.2 (MANE Select); 3 bases into the intron before coding-DNA position 5799, C replaced by A.
Molecular consequence: intron variant.
Genome position (GRCh38, 1-based): chr14:64,769,731, G>T on the plus strand (C>A on the coding strand, the complement: SPTB is on the minus strand). VCF-style: chr14-64769731-G-T. GRCh37 (hg19) VCF-style: chr14-65236449-G-T.
Other names: p.?; c.5799-3C>A (NM_001024858.4, NM_001355437.2).
Identifiers: ClinVar variation 993622 (VCV000993622.12), dbSNP rs757579872, ClinGen allele CA7229851.

ClinVar aggregate classification (germline): Uncertain significance. Review status: criteria provided, multiple submitters, no conflicts (2 of 4 stars). 3 submissions from 3 submitters: Uncertain significance (3). Last evaluated 2025-11-06.

Allele frequency attached by ClinVar (database versions not stated): gnomAD below 0.00001 and 0.00001; gnomAD exomes 0.00002 and 0.00001; ExAC 0.00004.
gnomAD v4.1: 25 of 1,614,024 alleles (0.0015%); highest among the groups gnomAD compares: South Asian, 0.0033%; no homozygotes.

Submissions (3):

Labcorp Genetics (formerly Invitae), Labcorp
Classification: Uncertain significance. Last evaluated: 2025-11-06. Review status: criteria provided, single submitter. Criteria: Invitae Variant Classification Sherloc (09022015). Collection method: clinical testing. Allele origin: germline.
Comment: This sequence change falls in intron 26 of the SPTB gene. It does not directly change the encoded amino acid sequence of the SPTB protein. It affects a nucleotide within the consensus splice site. This variant is present in population databases (rs757579872, gnomAD 0.004%). This variant has not been reported in the literature in individuals affected with SPTB-related conditions. ClinVar contains an entry for this variant (Variation ID: 993622). Variants that disrupt the consensus splice site are a relatively common cause of aberrant splicing (PMID: 17576681, 9536098). Algorithms developed to predict the effect of sequence changes on RNA splicing suggest that this variant is not likely to affect RNA splicing. In summary, the available evidence is currently insufficient to determine the role of this variant in disease. Therefore, it has been classified as a Variant of Uncertain Significance.

Mayo Clinic Laboratories, Mayo Clinic
Classification: Uncertain significance. Last evaluated: 2025-04-16. Review status: criteria provided, single submitter. Criteria: ACMG Guidelines, 2015. Collection method: clinical testing. Allele origin: germline. Observed: 1 variant allele.
Comment: BP4, BP7

ARUP Laboratories, Molecular Genetics and Genomics, ARUP Laboratories
Classification: Uncertain significance. Last evaluated: 2020-02-05. Review status: criteria provided, single submitter. Criteria: ARUP Molecular Germline Variant Investigation Process. Collection method: clinical testing. Allele origin: germline.

Literature cited by the submitters: PubMed 17576681 (cited by Labcorp Genetics (formerly Invitae), Labcorp); PubMed 9536098 (cited by Labcorp Genetics (formerly Invitae), Labcorp).